The following is an entry in ClinVar:

NM_001853.4(COL9A3):c.287C>T (p.Pro96Leu)

Gene: COL9A3 (collagen type IX alpha 3 chain; plus strand). Cytogenetic location: 20q13.33.
Variant type: single nucleotide variant.
Coding change: c.287C>T on transcript NM_001853.4 (MANE Select); coding-DNA position 287, C replaced by T.
Protein change: p.Pro96Leu; replaces proline 96 with leucine.
Molecular consequence: missense variant.
Genome position (GRCh38, 1-based): chr20:62,819,960, C>T. VCF-style: chr20-62819960-C-T. GRCh37 (hg19) VCF-style: chr20-61451312-C-T.
Other names: c.287C>T (NM_001853.3); short protein forms P96L.
Identifiers: ClinVar variation 1398915 (VCV001398915.9), dbSNP rs749124910, ClinGen allele CA9949132.

ClinVar aggregate classification (germline): Uncertain significance. Review status: criteria provided, multiple submitters, no conflicts (2 of 4 stars). 5 submissions from 5 submitters: Uncertain significance (5). Last evaluated 2025-03-24.

Conditions:
Inborn genetic diseases. Identifiers: MedGen C0950123, MeSH D030342.

gnomAD v4.1: 13 of 1,612,786 alleles (0.00081%); highest among the groups gnomAD compares: Non-Finnish European, 0.0011%; no homozygotes.

Submissions (5):

Labcorp Genetics (formerly Invitae), Labcorp
Classification: Uncertain significance. Last evaluated: 2025-03-24. Review status: criteria provided, single submitter. Criteria: Invitae Variant Classification Sherloc (09022015). Collection method: clinical testing. Allele origin: germline.
Comment: This sequence change replaces proline, which is neutral and non-polar, with leucine, which is neutral and non-polar, at codon 96 of the COL9A3 protein (p.Pro96Leu). This variant is present in population databases (rs749124910, gnomAD 0.003%). This variant has not been reported in the literature in individuals affected with COL9A3-related conditions. ClinVar contains an entry for this variant (Variation ID: 1398915). Invitae Evidence Modeling of protein sequence and biophysical properties (such as structural, functional, and spatial information, amino acid conservation, physicochemical variation, residue mobility, and thermodynamic stability) indicates that this missense variant is not expected to disrupt COL9A3 protein function with a negative predictive value of 95%. In summary, the available evidence is currently insufficient to determine the role of this variant in disease. Therefore, it has been classified as a Variant of Uncertain Significance.

Women's Health and Genetics/Laboratory Corporation of America, LabCorp
Classification: Uncertain significance. Last evaluated: 2024-11-18. Review status: criteria provided, single submitter. Criteria: LabCorp Variant Classification Summary - May 2015. Collection method: clinical testing. Allele origin: germline.
Comment: Variant summary: COL9A3 c.287C>T (p.Pro96Leu) results in a non-conservative amino acid change located in the Collagen triple helix repeat (20 copies) (IPR008160) of the encoded protein sequence. Three of five in-silico tools predict a benign effect of the variant on protein function. The variant allele was found at a frequency of 8e-06 in 249744 control chromosomes. The available data on variant occurrences in the general population are insufficient to allow any conclusion about variant significance. To our knowledge, no occurrence of c.287C>T in individuals affected with Epiphyseal Dysplasia, Multiple, 3 and no experimental evidence demonstrating its impact on protein function have been reported. ClinVar contains an entry for this variant (Variation ID: 1398915). Based on the evidence outlined above, the variant was classified as uncertain significance.

Blueprint Genetics
Classification: Uncertain significance. Last evaluated: 2024-09-08. Review status: criteria provided, single submitter. Criteria: ACMG Guidelines, 2015. Collection method: clinical testing. Allele origin: germline.

Ambry Genetics
Classification: Uncertain significance for Inborn genetic diseases. Last evaluated: 2024-08-21. Review status: criteria provided, single submitter. Criteria: Ambry Variant Classification Scheme 2023. Collection method: clinical testing. Allele origin: germline.

GeneDx
Classification: Uncertain significance. Last evaluated: 2024-05-25. Review status: criteria provided, single submitter. Criteria: GeneDx Variant Classification Process June 2021. Collection method: clinical testing. Allele origin: germline. Affected: yes.
Comment: Has not been previously published as pathogenic or benign to our knowledge; Not observed at significant frequency in large population cohorts (gnomAD); In silico analysis indicates that this missense variant does not alter protein structure/function